The following is an entry in ClinVar:

NM_177438.3(DICER1):c.2449C>A (p.Pro817Thr)

Gene: DICER1 (dicer 1, ribonuclease III; minus strand). Cytogenetic location: 14q32.13.
Variant type: single nucleotide variant.
Coding change: c.2449C>A on transcript NM_177438.3 (MANE Select); coding-DNA position 2449, C replaced by A.
Protein change: p.Pro817Thr; replaces proline 817 with threonine.
Molecular consequence: missense variant.
Genome position (GRCh38, 1-based): chr14:95,108,081, G>T on the plus strand (C>A on the coding strand, the complement: DICER1 is on the minus strand). VCF-style: chr14-95108081-G-T. GRCh37 (hg19) VCF-style: chr14-95574418-G-T.
Other names: c.2449C>A, p.Pro817Thr (NM_001195573.1, NM_001271282.3, NM_001291628.2 and 1 more transcripts); short protein forms P817T.
Identifiers: ClinVar variation 940855 (VCV000940855.33), dbSNP rs774540239, ClinGen allele CA390882006.

ClinVar aggregate classification (germline): Uncertain significance. Review status: criteria provided, multiple submitters, no conflicts (2 of 4 stars). 4 submissions from 4 submitters: Uncertain significance (4). Last evaluated 2024-12-19.

Conditions:
DICER1-related tumor predisposition. Also called: DICER1-related pleuropulmonary blastoma cancer predisposition syndrome; DICER1 syndrome. Identifiers: Orphanet 284343, MedGen C3839822, MONDO:0100216.
Hereditary cancer-predisposing syndrome. Also called: Neoplastic Syndromes, Hereditary; Tumor predisposition; Hereditary neoplastic syndrome; Hereditary Cancer Syndrome. Identifiers: Orphanet 140162, MedGen C0027672, MeSH D009386, MONDO:0015356.

Submissions (4):

Labcorp Genetics (formerly Invitae), Labcorp
Classification: Uncertain significance for DICER1-related tumor predisposition. Last evaluated: 2024-12-19. Review status: criteria provided, single submitter. Criteria: Invitae Variant Classification Sherloc (09022015). Collection method: clinical testing. Allele origin: germline.
Comment: This sequence change replaces proline, which is neutral and non-polar, with threonine, which is neutral and polar, at codon 817 of the DICER1 protein (p.Pro817Thr). This variant is not present in population databases (gnomAD no frequency). This variant has not been reported in the literature in individuals affected with DICER1-related conditions. ClinVar contains an entry for this variant (Variation ID: 940855). Invitae Evidence Modeling of protein sequence and biophysical properties (such as structural, functional, and spatial information, amino acid conservation, physicochemical variation, residue mobility, and thermodynamic stability) indicates that this missense variant is expected to disrupt DICER1 protein function with a positive predictive value of 95%. In summary, the available evidence is currently insufficient to determine the role of this variant in disease. Therefore, it has been classified as a Variant of Uncertain Significance.

Ambry Genetics
Classification: Uncertain significance for Hereditary cancer-predisposing syndrome. Last evaluated: 2024-09-16. Review status: criteria provided, single submitter. Criteria: Ambry Variant Classification Scheme 2023. Collection method: clinical testing. Allele origin: germline.
Comment: The p.P817T variant (also known as c.2449C>A), located in coding exon 15 of the DICER1 gene, results from a C to A substitution at nucleotide position 2449. The proline at codon 817 is replaced by threonine, an amino acid with highly similar properties. This amino acid position is conserved. In addition, this alteration is predicted to be deleterious by in silico analysis. Based on the available evidence, the clinical significance of this variant remains unclear.

CeGaT Center for Human Genetics Tuebingen
Classification: Uncertain significance. Last evaluated: 2024-05-01. Review status: criteria provided, single submitter. Criteria: CeGaT Center For Human Genetics Tuebingen Variant Classification Criteria Version 2. Collection method: clinical testing. Allele origin: germline. Affected: yes. Observed: 1 variant allele.
Comment: DICER1: PM2, PP3

Institute for Clinical Genetics, University Hospital TU Dresden, University Hospital TU Dresden
Classification: Uncertain significance. Last evaluated: 2021-11-03. Review status: criteria provided, single submitter. Criteria: ACMG Guidelines, 2015. Collection method: clinical testing. Allele origin: germline.